The following is an entry in ClinVar:

NM_003072.5(SMARCA4):c.761-2A>G

Gene: SMARCA4 (SWI/SNF related BAF chromatin remodeling complex subunit ATPase 4; plus strand). Cytogenetic location: 19p13.2.
Variant type: single nucleotide variant.
Coding change: c.761-2A>G on transcript NM_003072.5 (MANE Select); the canonical splice acceptor site of the intron before coding-DNA position 761, A replaced by G.
Molecular consequence: splice acceptor variant.
Genome position (GRCh38, 1-based): chr19:10,986,903, A>G. VCF-style: chr19-10986903-A-G. GRCh37 (hg19) VCF-style: chr19-11097579-A-G.
Other names: c.761-2A>G (NM_001128844.3, NM_001128849.3, NM_001128847.4 and 6 more transcripts).
Identifiers: ClinVar variation 3233144 (VCV003233144.1), dbSNP rs1479379455, ClinGen allele CA404057792.
Genomic context (GRCh38, chr19:10,986,903, plus strand): 5'-GGCTGGGCGCAGGCATAAACCTGGGACGCACTGTTTTCTCTTTTGTTTCTCCCTACATGT[A>G]GGTATGGGAGGGCCCAACATGCCTCCCCCAGGACCCTCGGGCGTGCCCCCCGGGATGCCA-3'

ClinVar aggregate classification (germline): Uncertain significance (1 of 4 stars; one submission).

Conditions:
Hereditary cancer-predisposing syndrome. Also called: Neoplastic Syndromes, Hereditary; Tumor predisposition; Hereditary neoplastic syndrome; Hereditary Cancer Syndrome. Identifiers: Orphanet 140162, MedGen C0027672, MeSH D009386, MONDO:0015356.

Submission:

Ambry Genetics
Classification: Uncertain significance for Hereditary cancer-predisposing syndrome. Last evaluated: 2024-01-10. Review status: criteria provided, single submitter. Criteria: Ambry Variant Classification Scheme 2023. Collection method: clinical testing. Allele origin: germline.
Comment: The c.761-2A>G intronic variant results from an A to G substitution two nucleotides upstream from coding exon 4 in the SMARCA4 gene. This nucleotide position is highly conserved in available vertebrate species. In silico splice site analysis predicts that this alteration will weaken the native splice acceptor site and will result in the creation or strengthening of a novel splice acceptor site. RNA studies have demonstrated that this alteration results in a transcript predicted to lead to a protein with an in-frame deletion of 33 amino acids; however, the exact functional impact of the deleted amino acids is unknown at this time (Ambry internal data). Since supporting evidence is limited at this time, the clinical significance of this alteration remains unclear.